The following is an entry in ClinVar:

ClinVar aggregate classification (germline): Uncertain significance (1 of 4 stars; one submission).

Conditions:
Spastic paraplegia. Identifiers: MedGen C0037772, HP:0001258.

gnomAD v4.1: 4 of 1,608,970 alleles (0.00025%); highest among the groups gnomAD compares: Non-Finnish European, 0.00034%; no homozygotes.

Submission:

Labcorp Genetics (formerly Invitae), Labcorp
Classification: Uncertain significance for Spastic paraplegia. Last evaluated: 2025-10-09. Review status: criteria provided, single submitter. Criteria: Invitae Variant Classification Sherloc (09022015). Collection method: clinical testing. Allele origin: germline.
Comment: This sequence change replaces alanine, which is neutral and non-polar, with glycine, which is neutral and non-polar, at codon 169 of the B4GALNT1 protein (p.Ala169Gly). This variant is present in population databases (no rsID available, gnomAD 0.0009%). This variant has not been reported in the literature in individuals affected with B4GALNT1-related conditions. Invitae Evidence Modeling of protein sequence and biophysical properties (such as structural, functional, and spatial information, amino acid conservation, physicochemical variation, residue mobility, and thermodynamic stability) indicates that this missense variant is not expected to disrupt B4GALNT1 protein function with a negative predictive value of 80%. In summary, the available evidence is currently insufficient to determine the role of this variant in disease. Therefore, it has been classified as a Variant of Uncertain Significance.

NM_001478.5(B4GALNT1):c.506C>G (p.Ala169Gly)

Gene: B4GALNT1 (beta-1,4-N-acetyl-galactosaminyltransferase 1; minus strand). Cytogenetic location: 12q13.3.
Variant type: single nucleotide variant.
Coding change: c.506C>G on transcript NM_001478.5 (MANE Select); coding-DNA position 506, C replaced by G.
Protein change: p.Ala169Gly; replaces alanine 169 with glycine.
Molecular consequence: missense variant. On other transcripts: 5 prime UTR variant (4).
Genome position (GRCh38, 1-based): chr12:57,630,503, G>C on the plus strand (C>G on the coding strand, the complement: B4GALNT1 is on the minus strand). VCF-style: chr12-57630503-G-C. GRCh37 (hg19) VCF-style: chr12-58024286-G-C.
Other names: c.341C>G, p.Ala114Gly (NM_001276468.2, NM_001413978.1); c.506C>G, p.Ala169Gly (NM_001276469.2, NM_001413967.1, NM_001413968.1 and 9 more transcripts); c.-482C>G (NM_001413981.1, NM_001413982.1, NM_001413983.1 and 1 more transcripts); short protein forms A114G, A169G.
Identifiers: ClinVar variation 4744946 (VCV004744946.1).